The following is an entry in ClinVar:

NM_000081.4(LYST):c.2971C>T (p.His991Tyr)

Gene: LYST (lysosomal trafficking regulator; minus strand). Cytogenetic location: 1q42.3.
Variant type: single nucleotide variant.
Coding change: c.2971C>T on transcript NM_000081.4 (MANE Select); coding-DNA position 2971, C replaced by T.
Protein change: p.His991Tyr; replaces histidine 991 with tyrosine.
Molecular consequence: missense variant.
Genome position (GRCh38, 1-based): chr1:235,806,165, G>A on the plus strand (C>T on the coding strand, the complement: LYST is on the minus strand). VCF-style: chr1-235806165-G-A. GRCh37 (hg19) VCF-style: chr1-235969465-G-A.
Other names: c.2971C>T, p.His991Tyr (NM_001301365.1); short protein forms H991Y.
Identifiers: ClinVar variation 2855853 (VCV002855853.3), dbSNP rs864309530, ClinGen allele CA344954435.

ClinVar aggregate classification (germline): Uncertain significance (1 of 4 stars; one submission).

Conditions:
Chédiak-Higashi syndrome (CHS). Also called: Chediak-Higashi Syndrome. Identifiers: Orphanet 167, MedGen C0007965, MONDO:0008963, OMIM 214500.

Submission:

Labcorp Genetics (formerly Invitae), Labcorp
Classification: Uncertain significance for Chédiak-Higashi syndrome. Last evaluated: 2023-04-13. Review status: criteria provided, single submitter. Criteria: Invitae Variant Classification Sherloc (09022015). Collection method: clinical testing. Allele origin: germline.
Comment: This sequence change replaces histidine, which is basic and polar, with tyrosine, which is neutral and polar, at codon 991 of the LYST protein (p.His991Tyr). This variant is not present in population databases (gnomAD no frequency). This variant has not been reported in the literature in individuals affected with LYST-related conditions. Advanced modeling of protein sequence and biophysical properties (such as structural, functional, and spatial information, amino acid conservation, physicochemical variation, residue mobility, and thermodynamic stability) performed at Invitae indicates that this missense variant is not expected to disrupt LYST protein function. In summary, the available evidence is currently insufficient to determine the role of this variant in disease. Therefore, it has been classified as a Variant of Uncertain Significance.